The following is an entry in ClinVar:

ClinVar aggregate classification (germline): Uncertain significance (1 of 4 stars; one submission).

Conditions:
Sulfite oxidase deficiency. Also called: Isolated sulfite oxidase deficiency. Identifiers: Orphanet 833, Orphanet 99731, MedGen C0268624, MONDO:0010089, OMIM 272300, HP:0003643.

Submission:

Labcorp Genetics (formerly Invitae), Labcorp
Classification: Uncertain significance for Sulfite oxidase deficiency. Last evaluated: 2022-06-23. Review status: criteria provided, single submitter. Criteria: Invitae Variant Classification Sherloc (09022015). Collection method: clinical testing. Allele origin: germline.
Comment: In summary, the available evidence is currently insufficient to determine the role of this variant in disease. Therefore, it has been classified as a Variant of Uncertain Significance. This sequence change replaces lysine, which is basic and polar, with glutamine, which is neutral and polar, at codon 379 of the SUOX protein (p.Lys379Gln). This variant is not present in population databases (gnomAD no frequency). This variant has not been reported in the literature in individuals affected with SUOX-related conditions. Algorithms developed to predict the effect of missense changes on protein structure and function (SIFT, PolyPhen-2, Align-GVGD) all suggest that this variant is likely to be disruptive.

NM_001032386.2(SUOX):c.1135A>C (p.Lys379Gln)

Gene: SUOX (sulfite oxidase; plus strand). Cytogenetic location: 12q13.2.
Variant type: single nucleotide variant.
Coding change: c.1135A>C on transcript NM_001032386.2 (MANE Select); coding-DNA position 1135, A replaced by C.
Protein change: p.Lys379Gln; replaces lysine 379 with glutamine.
Molecular consequence: missense variant.
Genome position (GRCh38, 1-based): chr12:56,004,524, A>C. VCF-style: chr12-56004524-A-C. GRCh37 (hg19) VCF-style: chr12-56398308-A-C.
Other names: c.1135A>C, p.Lys379Gln (NM_000456.3, NM_001032387.2); short protein forms K379Q.
Identifiers: ClinVar variation 2009734 (VCV002009734.4), dbSNP rs2540577280, ClinGen allele CA385291255.